The following is an entry in ClinVar:

NM_014694.4(ADAMTSL2):c.413-99A>G

Gene: ADAMTSL2 (ADAMTS like 2; plus strand). Cytogenetic location: 9q34.2.
Variant type: single nucleotide variant.
Coding change: c.413-99A>G on transcript NM_014694.4 (MANE Select); 99 bases into the intron before coding-DNA position 413, A replaced by G.
Molecular consequence: intron variant.
Genome position (GRCh38, 1-based): chr9:133,540,499, A>G. VCF-style: chr9-133540499-A-G. GRCh37 (hg19) VCF-style: chr9-136405621-A-G.
Other names: c.413-99A>G (NM_001145320.2).
Identifiers: ClinVar variation 1706880 (VCV001706880.2), dbSNP rs115817936, ClinGen allele CA200959960.

ClinVar aggregate classification (germline): Likely benign (1 of 4 stars; one submission).

Allele frequency attached by ClinVar (database versions not stated): gnomAD exomes 0.00061; gnomAD 0.00601; 1000 Genomes Project 0.00619; 1000 Genomes Project 30x 0.00625; TOPMed 0.00699.
gnomAD v4.1: 1,779 of 1,478,916 alleles (0.12%); highest among the groups gnomAD compares: African/African-American, 2.1%; 15 homozygotes.

Submission:

GeneDx
Classification: Likely benign. Last evaluated: 2018-10-21. Review status: criteria provided, single submitter. Criteria: GeneDx Variant Classification Process June 2021. Collection method: clinical testing. Allele origin: germline. Affected: yes.
Comment: See Variant Classification Assertion Criteria.